The following is an entry in ClinVar:

NM_000030.3(AGXT):c.286C>G (p.Pro96Ala)

Gene: AGXT (alanine--glyoxylate aminotransferase; plus strand). Cytogenetic location: 2q37.3.
Variant type: single nucleotide variant.
Coding change: c.286C>G on transcript NM_000030.3 (MANE Select); coding-DNA position 286, C replaced by G.
Protein change: p.Pro96Ala; replaces proline 96 with alanine.
Molecular consequence: missense variant.
Genome position (GRCh38, 1-based): chr2:240,869,290, C>G. VCF-style: chr2-240869290-C-G. GRCh37 (hg19) VCF-style: chr2-241808707-C-G.
Other names: short protein forms P96A.
Identifiers: ClinVar variation 962187 (VCV000962187.8), dbSNP rs1334695460, ClinGen allele CA351313721.

ClinVar aggregate classification (germline): Uncertain significance. Review status: criteria provided, multiple submitters, no conflicts (2 of 4 stars). 3 submissions from 3 submitters: Uncertain significance (2). 1 of the submissions does not count toward it. Last evaluated 2022-03-07.

Conditions:
Primary hyperoxaluria, type I (HP1). Also called: Primary hyperoxaluria type 1; GLYCOLIC ACIDURIA; HEPATIC AGT DEFICIENCY; OXALOSIS I. Identifiers: Orphanet 416, Orphanet 93598, MedGen C0268164, MONDO:0009823, OMIM 259900. Disease mechanism: loss of function.

Allele frequency attached by ClinVar (database versions not stated): gnomAD exomes 0.00001.
gnomAD v4.1: 19 of 1,613,106 alleles (0.0012%); highest among the groups gnomAD compares: Admixed American, 0.0017%; no homozygotes.

Submissions (3):

Fulgent Genetics
Classification: Uncertain significance for Primary hyperoxaluria, type I. Last evaluated: 2022-03-07. Review status: criteria provided, single submitter. Criteria: ACMG Guidelines, 2015. Collection method: clinical testing. Allele origin: unknown.

Labcorp Genetics (formerly Invitae), Labcorp
Classification: Uncertain significance. Last evaluated: 2021-09-02. Review status: criteria provided, single submitter. Criteria: Invitae Variant Classification Sherloc (09022015). Collection method: clinical testing. Allele origin: germline.
Comment: This sequence change replaces proline with alanine at codon 96 of the AGXT protein (p.Pro96Ala). The proline residue is highly conserved and there is a small physicochemical difference between proline and alanine. This variant is not present in population databases (ExAC no frequency). This variant has not been reported in the literature in individuals affected with AGXT-related conditions. Algorithms developed to predict the effect of missense changes on protein structure and function are either unavailable or do not agree on the potential impact of this missense change (SIFT: "Deleterious"; PolyPhen-2: "Benign"; Align-GVGD: "Class C0"). In summary, the available evidence is currently insufficient to determine the role of this variant in disease. Therefore, it has been classified as a Variant of Uncertain Significance.

Natera, Inc.
Classification: Uncertain significance for Primary hyperoxaluria type I. Last evaluated: 2020-09-10. Review status: no assertion criteria provided. Collection method: clinical testing. Allele origin: germline. Not counted in ClinVar's aggregate classification.